The following is an entry in ClinVar:

ClinVar aggregate classification (germline): Pathogenic/Likely pathogenic. Review status: criteria provided, multiple submitters, no conflicts (2 of 4 stars). 3 submissions from 3 submitters: Pathogenic (2); Likely pathogenic (1). Last evaluated 2023-05-20.

Conditions:
DDX3X-related disorder. Also called: DDX3X-related condition.
Intellectual disability, X-linked 102 (MRXSSB). Also called: Intellectual developmental disorder, X-linked syndromic, Snijders Blok type. Identifiers: Orphanet 457260, MedGen C5393299, MONDO:0010497, OMIM 300958.

Submissions (3):

Neuberg Centre For Genomic Medicine, NCGM
Classification: Likely pathogenic for Intellectual disability, X-linked 102. Last evaluated: 2023-05-20. Review status: criteria provided, single submitter. Criteria: ACMG Guidelines, 2015. Collection method: clinical testing. Allele origin: germline. Inheritance: X-linked inheritance. Affected: yes.
Comment: The stop gained variant c.894C>A (p.Cys298Ter) in the DDX3X gene has not been reported previously as a pathogenic or benign variant, to our knowledge. The variant is absent in the gnomAD Exomes. It has been submitted to ClinVar as Pathogenic. However, literature and experimental studies on the pathogenicity of the variant are not available. This variant is predicted to cause loss of normal protein function through protein truncation. Loss of function variants has been previously reported to be disease causing (Snijders Blok et al., 2015). For these reasons, this variant has been classified as Likely Pathogenic.

Broad Center for Mendelian Genomics, Broad Institute of MIT and Harvard
Classification: Pathogenic for Intellectual disability, X-linked 102. Last evaluated: 2022-08-25. Review status: criteria provided, single submitter. Criteria: ACMG Guidelines, 2015. Collection method: curation. Allele origin: germline. Inheritance: Autosomal dominant inheritance. Affected: yes.
Comment: Trio exome analysis showed this variant to be de novo. The p.Cys298Ter variant in DDX3X was found to be de novo in 1 individual with a neurodevelopmental disorder (PMID: 35392274), and was absent from large population studies. This nonsense variant leads to a premature termination codon at position 298, which is predicted to lead to a truncated or absent protein. Heterozygous loss of function of the DDX3X gene is an established disease mechanism in intellectual disability. In summary, this variant meets criteria to be classified as pathogenic for X-linked neurodevelopmental disorder. ACMG/AMP Criteria applied: PVS1, PS2_moderate, PM2_supporting, PS4_supporting (Richards 2015).

Blueprint Genetics
Classification: Pathogenic for DDX3X-related disorders. Last evaluated: 2020-12-31. Review status: criteria provided, single submitter. Criteria: ACMG Guidelines, 2015. Collection method: clinical testing. Allele origin: de novo. Affected: yes. Observed: 1 variant allele.

NM_001356.5(DDX3X):c.894C>A (p.Cys298Ter)

Gene: DDX3X (DEAD-box helicase 3 X-linked; plus strand). Cytogenetic location: Xp11.4.
Variant type: single nucleotide variant.
Coding change: c.894C>A on transcript NM_001356.5 (MANE Select); coding-DNA position 894, C replaced by A.
Protein change: p.Cys298Ter; replaces cysteine 298 with a stop codon.
Molecular consequence: nonsense. On other transcripts: non-coding transcript variant (1).
Genome position (GRCh38, 1-based): chrX:41,344,268, C>A. VCF-style: chrX-41344268-C-A. GRCh37 (hg19) VCF-style: chrX-41203521-C-A.
Other names: NM_001356.5:c.894C>A; c.894C>A, p.Cys298Ter (NM_001193416.3); c.846C>A, p.Cys282Ter (NM_001193417.3); c.336C>A, p.Cys112Ter (NM_001363819.1); short protein forms C112*, C282*, C298*.
Identifiers: ClinVar variation 1703241 (VCV001703241.3), dbSNP rs374274692, ClinGen allele CA412770725.
Genomic context (GRCh38, chrX:41,344,268, plus strand): 5'-TTGAAGTTCATAACATTTTTTTTGCTTATAGTTTTCATACCGATCTAGAGTTCGTCCTTG[C>A]GTGGTTTATGGTGGTGCCGATATTGGTCAGCAGATTCGAGACTTGGAACGTGGATGCCAT-3'